The following is an entry in ClinVar:

NM_000095.3(COMP):c.1045G>A (p.Asp349Asn)

Gene: COMP (cartilage oligomeric matrix protein; minus strand). Cytogenetic location: 19p13.11.
Variant type: single nucleotide variant.
Coding change: c.1045G>A on transcript NM_000095.3 (MANE Select); coding-DNA position 1045, G replaced by A.
Protein change: p.Asp349Asn; replaces aspartic acid 349 with asparagine.
Molecular consequence: missense variant.
Genome position (GRCh38, 1-based): chr19:18,787,581, C>T on the plus strand (G>A on the coding strand, the complement: COMP is on the minus strand). VCF-style: chr19-18787581-C-T. GRCh37 (hg19) VCF-style: chr19-18898390-C-T.
Other names: short protein forms D349N.
Identifiers: ClinVar variation 1427648 (VCV001427648.6), dbSNP rs2145902248, ClinGen allele CA404888431.
Genomic context (GRCh38, chr19:18,787,581, plus strand): 5'-CGCCCCGGCCGTCCTGGTCTGTGTCCTTTTGGTCGTCGTTCTTCTGGGACCGGCAGTTGT[C>T]GCACGCATCGCCCCACTTGTCCTCGTCCGTGTTGCGCTGGTCTGGGTTCCGCACCAGCGG-3'
Protein context (NP_000086.2, residues 339-359): TDEDKWGDAC[Asp349Asn]NCRSQKNDDQ

ClinVar aggregate classification (germline): Pathogenic (1 of 4 stars; one submission).

Submission:

Labcorp Genetics (formerly Invitae), Labcorp
Classification: Pathogenic. Last evaluated: 2023-08-24. Review status: criteria provided, single submitter. Criteria: Invitae Variant Classification Sherloc (09022015). Collection method: clinical testing. Allele origin: germline.
Comment: For these reasons, this variant has been classified as Pathogenic. This variant disrupts the p.Asp349 amino acid residue in COMP. Other variant(s) that disrupt this residue have been observed in individuals with COMP-related conditions (PMID: 9921895; Invitae), which suggests that this may be a clinically significant amino acid residue. Advanced modeling of protein sequence and biophysical properties (such as structural, functional, and spatial information, amino acid conservation, physicochemical variation, residue mobility, and thermodynamic stability) performed at Invitae indicates that this missense variant is expected to disrupt COMP protein function. ClinVar contains an entry for this variant (Variation ID: 1427648). This missense change has been observed in individual(s) with clinical features of COMP-related conditions (Invitae). In at least one individual the variant was observed to be de novo. This variant is not present in population databases (gnomAD no frequency). This sequence change replaces aspartic acid, which is acidic and polar, with asparagine, which is neutral and polar, at codon 349 of the COMP protein (p.Asp349Asn).

Literature cited by the submitters: PubMed 9921895.